The following is an entry in ClinVar:

ClinVar aggregate classification (germline): Pathogenic/Likely pathogenic. Review status: criteria provided, multiple submitters, no conflicts (2 of 4 stars). 2 submissions from 2 submitters: Pathogenic (1); Likely pathogenic (1). Last evaluated 2024-03-25.

Conditions:
Familial adenomatous polyposis 1 (FAP1). Also called: FAMILIAL ADENOMATOUS POLYPOSIS 1, ATTENUATED; POLYPOSIS, ADENOMATOUS INTESTINAL. Identifiers: MedGen C2713442, MONDO:0021056, OMIM 175100. Disease mechanism: loss of function.

Submissions (2):

Genomic Medicine Center of Excellence, King Faisal Specialist Hospital and Research Centre
Classification: Likely pathogenic for Familial adenomatous polyposis 1. Last evaluated: 2024-03-25. Review status: criteria provided, single submitter. Criteria: ACMG Guidelines, 2015. Collection method: research. Allele origin: germline.

Myriad Genetics, Inc.
Classification: Pathogenic for Familial adenomatous polyposis 1. Last evaluated: 2023-05-09. Review status: criteria provided, single submitter. Criteria: Myriad Autosomal Dominant, Autosomal Recessive and X-Linked Classification Criteria (2023). Collection method: clinical testing. Allele origin: unknown.
Comment: This variant is considered pathogenic. This variant creates a frameshift predicted to result in premature protein truncation.

NM_000038.6(APC):c.3787del (p.Cys1263fs)

Gene: APC (APC regulator of Wnt signaling pathway; plus strand). Cytogenetic location: 5q22.2.
Variant type: Deletion.
Coding change: c.3787del on transcript NM_000038.6 (MANE Select); coding-DNA position 3787, one base deleted (T; older notation c.3787delT).
Protein change: p.Cys1263fs; shifts the reading frame from cysteine 1263.
Molecular consequence: frameshift variant. On other transcripts: non-coding transcript variant (2).
Genome position (GRCh38, 1-based): chr5:112,839,381, T deleted; the last of 2 consecutive T bases (chr5:112,839,380-112,839,381); deleting either gives the same sequence. VCF-style (leftmost placement, unchanged base first): chr5-112839379-AT-A. GRCh37 (hg19) VCF-style: chr5-112175076-AT-A.
Other names: c.3787del (NM_000038.5); c.3787del, p.Cys1263fs (NM_001127510.3, NM_001354895.2, NM_001407450.1); c.3733del, p.Cys1245fs (NM_001127511.3); c.3841del, p.Cys1281fs (NM_001354896.2, NM_001407447.1, NM_001407448.1 and 1 more transcripts); c.3817del, p.Cys1273fs (NM_001354897.2); c.3712del, p.Cys1238fs (NM_001354898.2); c.3703del, p.Cys1235fs (NM_001354899.2); c.3664del, p.Cys1222fs (NM_001354900.2); and 12 more; short protein forms C1103fs, C1134fs, C1137fs, C1162fs, C1172fs, C1180fs, C1204fs, C1222fs.
Identifiers: ClinVar variation 2583871 (VCV002583871.4), dbSNP rs2533524447, ClinGen allele CA645543600.
Genomic context (GRCh38, chr5:112,839,379, plus strand): 5'-AGCCTCAAAAGGCTGCCACTTGCAAAGTTTCTTCTATTAACCAAGAAACAATACAGACTT[AT>A]TGTGTAGAAGATACTCCAATATGTTTTTCAAGATGTAGTTCATTATCATCTTTGTCATCA-3'